The following is an entry in ClinVar:

NC_000018.9:g.(48556994_48573289)_48573471dup

Gene: SMAD4 (SMAD family member 4; plus strand). Cytogenetic location: 18q21.2.
Variant type: Duplication.
Identifiers: ClinVar variation 1878325 (VCV001878325.1).

ClinVar aggregate classification (germline): Likely pathogenic (1 of 4 stars; one submission).

Conditions:
Juvenile polyposis syndrome (JPS). Identifiers: Orphanet 2929, MedGen C0345893, MONDO:0017380, OMIM 174900.

Submission:

Women's Health and Genetics/Laboratory Corporation of America, LabCorp
Classification: Likely pathogenic for Juvenile polyposis syndrome. Last evaluated: 2022-12-16. Review status: criteria provided, single submitter. Criteria: LabCorp Variant Classification Summary - May 2015. Collection method: clinical testing. Allele origin: germline.
Comment: Variant summary: The variant identified by MLPA or other technology involves the duplication of partial exon 2 in the SMAD4 gene. A presumed nomenclature of c.(-128+1_-127-1)_55dup has been designated for the purposes of this classification. It has been assumed that this is a tandem duplication in direct orientation (Richardson_GIM_2018, Newman_AJHG_2015). Although exact breakpoints of this duplication are not known, it is expected to result in a frameshift duplication change in the SMAD4 gene. The variant was absent in 21694 control chromosomes (gnomAD SVs, Structural Variants dataset). To our knowledge, no occurrence of c.(-128+1_-127-1)_55dup in individuals affected with Juvenile Polyposis Syndrome and no experimental evidence demonstrating its impact on protein function have been reported. No clinical diagnostic laboratories have submitted clinical-significance assessments for this variant to ClinVar after 2014. Based on the evidence outlined above, the variant was classified as likely pathogenic.